The following is an entry in ClinVar:

ClinVar aggregate classification (germline): Pathogenic/Likely pathogenic. Review status: criteria provided, multiple submitters, no conflicts (2 of 4 stars). 3 submissions from 2 submitters: Pathogenic (2); Likely pathogenic (1). Last evaluated 2025-09-13.

Conditions:
Amyotrophic lateral sclerosis type 12 (ALS12). Also called: AMYOTROPHIC LATERAL SCLEROSIS 12 WITH OR WITHOUT FRONTOTEMPORAL DEMENTIA. Identifiers: Orphanet 803, MedGen C3150692, MONDO:0013264, OMIM 613435.
Amyotrophic lateral sclerosis type 10 (ALS10). Also called: TARDBP-Related Amyotrophic Lateral Sclerosis-Frontotemporal Dementia; AMYOTROPHIC LATERAL SCLEROSIS 10 WITHOUT FRONTOTEMPORAL DEMENTIA AND WITH TDP43 INCLUSIONS; AMYOTROPHIC LATERAL SCLEROSIS 10 WITH OR WITHOUT FRONTOTEMPORAL DEMENTIA AND WITH TDP43 INCLUSIONS; AMYOTROPHIC LATERAL SCLEROSIS 10 WITH OR WITHOUT FRONTOTEMPORAL DEMENTIA; Amyotrophic lateral sclerosis 10, with or without FTD. Identifiers: Orphanet 275872, Orphanet 803, MedGen C2677565, MONDO:0012790, OMIM 612069.
Primary open angle glaucoma (POAG). Also called: OPTN-related open angle glaucoma. Identifiers: MedGen C0339573, MONDO:0100553, OMIM 137760.
Glaucoma 1, open angle, E. Identifiers: MedGen C1842026, MONDO:0007665.

Allele frequency attached by ClinVar (database versions not stated): gnomAD 0.00001; gnomAD exomes 0.00001.
gnomAD v4.1: 10 of 1,614,066 alleles (0.00062%); highest among the groups gnomAD compares: Non-Finnish European, 0.00085%; no homozygotes.

Submissions (3):

Human Genetics Bochum, Ruhr University Bochum
Classification: Pathogenic for Amyotrophic lateral sclerosis type 12. Last evaluated: 2025-09-13. Review status: criteria provided, single submitter. Criteria: ACMG Guidelines, 2015. Collection method: clinical testing. Allele origin: germline. Affected: yes.
Comment: ACMG criteria used to clasify this variant: PVS1, PM3, PS4_SUP, PM2_SUP

Labcorp Genetics (formerly Invitae), Labcorp
Classification: Pathogenic for Primary open angle glaucoma; Glaucoma 1, open angle, E; Amyotrophic lateral sclerosis type 12. Last evaluated: 2025-02-12. Review status: criteria provided, single submitter. Criteria: Invitae Variant Classification Sherloc (09022015). Collection method: clinical testing. Allele origin: germline.
Comment: This sequence change creates a premature translational stop signal (p.Gln165*) in the OPTN gene. It is expected to result in an absent or disrupted protein product. Loss-of-function variants in OPTN are known to be pathogenic (PMID: 20428114). This variant is present in population databases (no rsID available, gnomAD 0.002%). This premature translational stop signal has been observed in individual(s) with autosomal recessive amyotrophic lateral sclerosis (PMID: 26203661). In at least one individual the data is consistent with being in trans (on the opposite chromosome) from a pathogenic variant. This variant has been reported in individual(s) with autosomal dominant amyotrophic lateral sclerosis (PMID: 21802176, 21852022); however, the role of the variant in this condition is currently unclear. ClinVar contains an entry for this variant (Variation ID: 1801690). For these reasons, this variant has been classified as Pathogenic.

Human Genetics Bochum, Ruhr University Bochum
Classification: Likely pathogenic for Amyotrophic lateral sclerosis type 10. Last evaluated: 2022-08-15. Review status: criteria provided, single submitter. Criteria: ACMG Guidelines, 2015. Collection method: clinical testing. Allele origin: germline. Affected: yes.
Comment: ACMG criteria used to clasify this variant: PVS1, PM2

Literature cited by the submitters: PubMed 20428114 (cited by Labcorp Genetics (formerly Invitae), Labcorp); PubMed 26203661 (cited by Labcorp Genetics (formerly Invitae), Labcorp); PubMed 21802176 (cited by Labcorp Genetics (formerly Invitae), Labcorp); PubMed 21852022 (cited by Labcorp Genetics (formerly Invitae), Labcorp).

NM_001008212.2(OPTN):c.493C>T (p.Gln165Ter)

Gene: OPTN (optineurin; plus strand). Cytogenetic location: 10p13.
Variant type: single nucleotide variant.
Coding change: c.493C>T on transcript NM_001008212.2 (MANE Select); coding-DNA position 493, C replaced by T.
Protein change: p.Gln165Ter; replaces glutamine 165 with a stop codon.
Molecular consequence: nonsense.
Genome position (GRCh38, 1-based): chr10:13,112,576, C>T. VCF-style: chr10-13112576-C-T. GRCh37 (hg19) VCF-style: chr10-13154576-C-T.
Other names: c.493C>T, p.Gln165Ter (NM_001008211.1, NM_001008213.1, NM_021980.4); short protein forms Q165*.
Identifiers: ClinVar variation 1801690 (VCV001801690.7), dbSNP rs1401721711, ClinGen allele CA376028026.
Genomic context (GRCh38, chr10:13,112,576, plus strand): 5'-ACCCAGGTGGTGAGGCTACAAGCAGAGAAGGCAGACCTGTTGGGCATCGTGTCTGAACTG[C>T]AGCTCAAGCTGAACTCCAGCGGCTCCTCAGAAGATTCCTTTGTTGAAATTAGGATGGCTG-3'